The following is an entry in ClinVar:

NM_006218.4(PIK3CA):c.764G>A (p.Cys255Tyr)

Gene: PIK3CA (phosphatidylinositol-4,5-bisphosphate 3-kinase catalytic subunit alpha; plus strand). Cytogenetic location: 3q26.32.
Variant type: single nucleotide variant.
Coding change: c.764G>A on transcript NM_006218.4 (MANE Select); coding-DNA position 764, G replaced by A.
Protein change: p.Cys255Tyr; replaces cysteine 255 with tyrosine.
Molecular consequence: missense variant.
Genome position (GRCh38, 1-based): chr3:179,201,491, G>A. VCF-style: chr3-179201491-G-A. GRCh37 (hg19) VCF-style: chr3-178919279-G-A.
Other names: c.764G>A (LRG_310t1); short protein forms C255Y.
Identifiers: ClinVar variation 403918 (VCV000403918.10), dbSNP rs1060500032, ClinGen allele CA16611380.

ClinVar aggregate classification (germline): Uncertain significance. Review status: criteria provided, multiple submitters, no conflicts (2 of 4 stars). 2 submissions from 2 submitters: Uncertain significance (2). Last evaluated 2023-10-19.

Conditions:
Inborn genetic diseases. Identifiers: MedGen C0950123, MeSH D030342.
Cowden syndrome (CS). Also called: Cowden's disease; Cowden's syndrome; Cowden disease. Identifiers: Orphanet 201, MedGen C0018553, MONDO:0016063. Disease mechanism: gain of function.

Submissions (2):

Ambry Genetics
Classification: Uncertain significance for Inborn genetic diseases. Last evaluated: 2023-10-19. Review status: criteria provided, single submitter. Criteria: Ambry Variant Classification Scheme 2023. Collection method: clinical testing. Allele origin: germline.
Comment: The p.C255Y variant (also known as c.764G>A), located in coding exon 3 of the PIK3CA gene, results from a G to A substitution at nucleotide position 764. The cysteine at codon 255 is replaced by tyrosine, an amino acid with highly dissimilar properties. This amino acid position is conserved. In addition, this alteration is predicted to be deleterious by in silico analysis. Since supporting evidence is limited at this time, the clinical significance of this alteration remains unclear.

Labcorp Genetics (formerly Invitae), Labcorp
Classification: Uncertain significance for Cowden syndrome. Last evaluated: 2016-09-13. Review status: criteria provided, single submitter. Criteria: Invitae Variant Classification Sherloc (09022015). Collection method: clinical testing. Allele origin: germline.
Comment: This sequence change replaces cysteine with tyrosine at codon 255 of the PIK3CA protein (p.Cys255Tyr). The cysteine residue is highly conserved and there is a large physicochemical difference between cysteine and tyrosine. In summary, this variant is a novel missense change with uncertain impact on protein function. It has been classified as a Variant of Uncertain Significance. Algorithms developed to predict the effect of missense changes on protein structure and function do not agree on the potential impact of this missense change (SIFT: "Tolerated"; PolyPhen-2: "Probably Damaging"; Align-GVGD: "Class C0"). This variant is not present in population databases (ExAC no frequency) and has not been reported in the literature in individuals with a PIK3CA-related disease.